The following is an entry in ClinVar:

ClinVar aggregate classification (germline): Uncertain significance (1 of 4 stars; one submission).

Conditions:
Charcot-Marie-Tooth disease axonal type 2C (HMSN2C). Also called: CHARCOT-MARIE-TOOTH DISEASE, AXONAL, AUTOSOMAL DOMINANT, TYPE 2C; Charcot-Marie-Tooth Neuropathy Type 2C; Charcot-Marie-Tooth Disease Type 2, TRPV4-Related (CMT2C). Identifiers: Orphanet 99937, MedGen C1853710, MONDO:0011633, OMIM 606071.

Submission:

Labcorp Genetics (formerly Invitae), Labcorp
Classification: Uncertain significance for Charcot-Marie-Tooth disease axonal type 2C. Last evaluated: 2018-11-27. Review status: criteria provided, single submitter. Criteria: Invitae Variant Classification Sherloc (09022015). Collection method: clinical testing. Allele origin: germline.
Comment: In summary, the available evidence is currently insufficient to determine the role of this variant in disease. Therefore, it has been classified as a Variant of Uncertain Significance. Algorithms developed to predict the effect of missense changes on protein structure and function output the following: SIFT: "Tolerated"; PolyPhen-2: "Benign"; Align-GVGD: "Class C0". The serine amino acid residue is found in multiple mammalian species, suggesting that this missense change does not adversely affect protein function. These predictions have not been confirmed by published functional studies and their clinical significance is uncertain. This variant has not been reported in the literature in individuals with TRPV4-related conditions. The frequency data for this variant in the population databases is considered unreliable, as metrics indicate insufficient coverage at this position in the ExAC database. This sequence change replaces proline with serine at codon 12 of the TRPV4 protein (p.Pro12Ser). The proline residue is weakly conserved and there is a moderate physicochemical difference between proline and serine.

NM_021625.5(TRPV4):c.34C>T (p.Pro12Ser)

Gene: TRPV4 (transient receptor potential cation channel subfamily V member 4; minus strand). Cytogenetic location: 12q24.11.
Variant type: single nucleotide variant.
Coding change: c.34C>T on transcript NM_021625.5 (MANE Select); coding-DNA position 34, C replaced by T.
Protein change: p.Pro12Ser; replaces proline 12 with serine.
Molecular consequence: missense variant.
Genome position (GRCh38, 1-based): chr12:109,814,763, G>A on the plus strand (C>T on the coding strand, the complement: TRPV4 is on the minus strand). VCF-style: chr12-109814763-G-A. GRCh37 (hg19) VCF-style: chr12-110252568-G-A.
Other names: c.34C>T, p.Pro12Ser (NM_001177428.2, NM_001177431.2, NM_001177433.2 and 1 more transcripts); short protein forms P12S.
Identifiers: ClinVar variation 651561 (VCV000651561.8), dbSNP rs1416476726, ClinGen allele CA386661167.